The following is an entry in ClinVar:

NM_002392.6(MDM2):c.631A>G (p.Ile211Val)

Gene: MDM2 (MDM2 proto-oncogene; plus strand). Cytogenetic location: 12q15.
Variant type: single nucleotide variant.
Coding change: c.631A>G on transcript NM_002392.6 (MANE Select); coding-DNA position 631, A replaced by G.
Protein change: p.Ile211Val; replaces isoleucine 211 with valine.
Molecular consequence: missense variant. On other transcripts: intron variant (2).
Genome position (GRCh38, 1-based): chr12:68,828,878, A>G. VCF-style: chr12-68828878-A-G. GRCh37 (hg19) VCF-style: chr12-69222658-A-G.
Other names: c.613A>G, p.Ile205Val (NM_001145337.3, NM_001367990.1); c.466A>G, p.Ile156Val (NM_001145339.2); c.157-6951A>G (NM_001278462.2, NM_001145340.3); short protein forms I211V, I156V, I205V.
Identifiers: ClinVar variation 3704730 (VCV003704730.2).

ClinVar aggregate classification (germline): Uncertain significance (1 of 4 stars; one submission).

Conditions:
Accelerated tumor formation, susceptibility to (ACTFS). Identifiers: MedGen C3280690, OMIM 614401, MONDO:0013733.

Submission:

Labcorp Genetics (formerly Invitae), Labcorp
Classification: Uncertain significance for Accelerated tumor formation, susceptibility to. Last evaluated: 2024-07-27. Review status: criteria provided, single submitter. Criteria: Invitae Variant Classification Sherloc (09022015). Collection method: clinical testing. Allele origin: germline.
Comment: This sequence change replaces isoleucine, which is neutral and non-polar, with valine, which is neutral and non-polar, at codon 211 of the MDM2 protein (p.Ile211Val). This variant is not present in population databases (gnomAD no frequency). This variant has not been reported in the literature in individuals affected with MDM2-related conditions. An algorithm developed to predict the effect of missense changes on protein structure and function (PolyPhen-2) suggests that this variant is likely to be tolerated. In summary, the available evidence is currently insufficient to determine the role of this variant in disease. Therefore, it has been classified as a Variant of Uncertain Significance.